The following is an entry in ClinVar:

NM_000276.4(OCRL):c.2244C>T (p.Tyr748=)

Gene: OCRL (OCRL inositol polyphosphate-5-phosphatase; plus strand). Cytogenetic location: Xq26.1.
Variant type: single nucleotide variant.
Coding change: c.2244C>T on transcript NM_000276.4 (MANE Select); coding-DNA position 2244, C replaced by T.
Protein change: p.Tyr748=; no amino-acid change (tyrosine 748 retained).
Molecular consequence: synonymous variant.
Genome position (GRCh38, 1-based): chrX:129,587,106, C>T. VCF-style: chrX-129587106-C-T. GRCh37 (hg19) VCF-style: chrX-128721083-C-T.
Other names: c.2247C>T, p.Tyr749= (NM_001318784.2); c.2220C>T, p.Tyr740= (NM_001587.4).
Identifiers: ClinVar variation 1157141 (VCV001157141.23), dbSNP rs781297236, ClinGen allele CA10512330.

ClinVar aggregate classification (germline): Likely benign. Review status: criteria provided, multiple submitters, no conflicts (2 of 4 stars). 3 submissions from 3 submitters: Likely benign (3). Last evaluated 2025-05-22.

Conditions:
Lowe syndrome (OCRL). Also called: Oculocerebrorenal Syndrome; LOWE OCULOCEREBRORENAL SYNDROME; PHOSPHATIDYLINOSITOL 4,5-BISPHOSPHATE 5-PHOSPHATASE DEFICIENCY. Identifiers: Orphanet 534, MedGen C0028860, MONDO:0010645, OMIM 309000.

Allele frequency attached by ClinVar (database versions not stated): ExAC 0.00001; gnomAD 0.00001 and 0.00002; gnomAD exomes 0.00001 and 0.00002; TOPMed 0.00001.
gnomAD v4.1: 17 of 1,167,020 alleles (0.0015%); highest among the groups gnomAD compares: Middle Eastern, 0.023%; no homozygotes.

Submissions (3):

Labcorp Genetics (formerly Invitae), Labcorp
Classification: Likely benign for Lowe syndrome. Last evaluated: 2025-05-22. Review status: criteria provided, single submitter. Criteria: Invitae Variant Classification Sherloc (09022015). Collection method: clinical testing. Allele origin: germline.

CeGaT Center for Human Genetics Tuebingen
Classification: Likely benign. Last evaluated: 2025-02-01. Review status: criteria provided, single submitter. Criteria: CeGaT Center For Human Genetics Tuebingen Variant Classification Criteria Version 2. Collection method: clinical testing. Allele origin: germline. Affected: yes. Observed: 1 variant allele.
Comment: OCRL: BP4, BP7, BS2

Blueprint Genetics
Classification: Likely benign. Last evaluated: 2021-11-09. Review status: criteria provided, single submitter. Criteria: ACMG Guidelines, 2015. Collection method: clinical testing. Allele origin: germline.